The following is an entry in ClinVar:

NM_170754.4(TNS2):c.2044C>T (p.Pro682Ser)

Gene: TNS2 (tensin 2; plus strand). Cytogenetic location: 12q13.13.
Variant type: single nucleotide variant.
Coding change: c.2044C>T on transcript NM_170754.4 (MANE Select); coding-DNA position 2044, C replaced by T.
Protein change: p.Pro682Ser; replaces proline 682 with serine.
Molecular consequence: missense variant.
Genome position (GRCh38, 1-based): chr12:53,059,685, C>T. VCF-style: chr12-53059685-C-T. GRCh37 (hg19) VCF-style: chr12-53453469-C-T.
Other names: c.2044C>T, p.Pro682Ser (NM_001416202.1); c.2002C>T, p.Pro668Ser (NM_001416203.1); c.2071C>T, p.Pro691Ser (NM_001416204.1); c.1975C>T, p.Pro659Ser (NM_015319.3); c.1672C>T, p.Pro558Ser (NM_198316.2); short protein forms P558S, P668S, P659S, P682S, P691S.
Identifiers: ClinVar variation 3459648 (VCV003459648.3).

ClinVar aggregate classification (germline): Uncertain significance. Review status: criteria provided, multiple submitters, no conflicts (2 of 4 stars). 2 submissions from 2 submitters: Uncertain significance (2). Last evaluated 2024-11-12.

gnomAD v4.1: 1 of 1,613,208 alleles (0.000062%); highest among the groups gnomAD compares: Admixed American, 0.0017%; no homozygotes.

Submissions (2):

Ambry Genetics
Classification: Uncertain significance. Last evaluated: 2024-11-12. Review status: criteria provided, single submitter. Criteria: Ambry Variant Classification Scheme 2023. Collection method: clinical testing. Allele origin: germline.

Labcorp Genetics (formerly Invitae), Labcorp
Classification: Uncertain significance. Last evaluated: 2024-05-02. Review status: criteria provided, single submitter. Criteria: Invitae Variant Classification Sherloc (09022015). Collection method: clinical testing. Allele origin: germline.
Comment: This sequence change replaces proline, which is neutral and non-polar, with serine, which is neutral and polar, at codon 692 of the TNS2 protein (p.Pro692Ser). This variant is present in population databases (no rsID available, gnomAD 0.003%). This variant has not been reported in the literature in individuals affected with TNS2-related conditions. An algorithm developed to predict the effect of missense changes on protein structure and function (PolyPhen-2) suggests that this variant is likely to be tolerated. In summary, the available evidence is currently insufficient to determine the role of this variant in disease. Therefore, it has been classified as a Variant of Uncertain Significance.